The following is an entry in ClinVar:

ClinVar aggregate classification (germline): Uncertain significance. Review status: criteria provided, multiple submitters, no conflicts (2 of 4 stars). 2 submissions from 2 submitters: Uncertain significance (2). Last evaluated 2024-12-10.

Conditions:
WDPCP-related disorder. Also called: WDPCP-related condition.
Bardet-Biedl syndrome (BBS). Identifiers: Orphanet 110, MedGen C0752166, MONDO:0015229.

Allele frequency attached by ClinVar (database versions not stated): gnomAD exomes below 0.00001; TOPMed 0.00001.
gnomAD v4.1: 3 of 1,613,526 alleles (0.00019%); highest among the groups gnomAD compares: Non-Finnish European, 0.000085%; no homozygotes.

Submissions (2):

PreventionGenetics, part of Exact Sciences
Classification: Uncertain significance for WDPCP-related condition. Last evaluated: 2024-12-10. Review status: criteria provided, single submitter. Criteria: ACMG Guidelines, 2015. Collection method: clinical testing. Allele origin: germline.
Comment: The WDPCP c.102G>A variant is predicted to result in the amino acid substitution p.Met34Ile. To our knowledge, this variant has not been reported in the literature. This variant is reported in one out of ~248,000 alleles in gnomAD. At this time, the clinical significance of this variant is uncertain due to the absence of conclusive functional and genetic evidence.

Labcorp Genetics (formerly Invitae), Labcorp
Classification: Uncertain significance for Bardet-Biedl syndrome. Last evaluated: 2021-09-01. Review status: criteria provided, single submitter. Criteria: Invitae Variant Classification Sherloc (09022015). Collection method: clinical testing. Allele origin: germline.
Comment: This sequence change replaces methionine with isoleucine at codon 34 of the WDPCP protein (p.Met34Ile). The methionine residue is highly conserved and there is a small physicochemical difference between methionine and isoleucine. This variant is not present in population databases (ExAC no frequency). This variant has not been reported in the literature in individuals affected with WDPCP-related conditions. Algorithms developed to predict the effect of missense changes on protein structure and function are either unavailable or do not agree on the potential impact of this missense change (SIFT: "Deleterious"; PolyPhen-2: "Probably Damaging"; Align-GVGD: "Class C0"). In summary, the available evidence is currently insufficient to determine the role of this variant in disease. Therefore, it has been classified as a Variant of Uncertain Significance.

NM_015910.7(WDPCP):c.102G>A (p.Met34Ile)

Gene: WDPCP (WD repeat containing planar cell polarity effector; minus strand). Cytogenetic location: 2p15.
Variant type: single nucleotide variant.
Coding change: c.102G>A on transcript NM_015910.7 (MANE Select); coding-DNA position 102, G replaced by A.
Protein change: p.Met34Ile; replaces methionine 34 with isoleucine.
Molecular consequence: missense variant. On other transcripts: non-coding transcript variant (2).
Genome position (GRCh38, 1-based): chr2:63,492,914, C>T on the plus strand (G>A on the coding strand, the complement: WDPCP is on the minus strand). VCF-style: chr2-63492914-C-T. GRCh37 (hg19) VCF-style: chr2-63720048-C-T.
Other names: c.30G>A, p.Met10Ile (NM_001354044.2); c.102G>A, p.Met34Ile (NM_001354045.2); c.102G>A (NM_015910.5); short protein forms M10I, M34I.
Identifiers: ClinVar variation 1050900 (VCV001050900.7), dbSNP rs1233974354, ClinGen allele CA347066427.